The following is an entry in ClinVar:

NM_005477.3(HCN4):c.2840G>A (p.Gly947Glu)

Gene: HCN4 (hyperpolarization activated cyclic nucleotide gated potassium channel 4; minus strand). Cytogenetic location: 15q24.1.
Variant type: single nucleotide variant.
Coding change: c.2840G>A on transcript NM_005477.3 (MANE Select); coding-DNA position 2840, G replaced by A.
Protein change: p.Gly947Glu; replaces glycine 947 with glutamic acid.
Molecular consequence: missense variant.
Genome position (GRCh38, 1-based): chr15:73,323,253, C>T on the plus strand (G>A on the coding strand, the complement: HCN4 is on the minus strand). VCF-style: chr15-73323253-C-T. GRCh37 (hg19) VCF-style: chr15-73615594-C-T.
Other names: short protein forms G947E.
Identifiers: ClinVar variation 4802398 (VCV004802398.1).

ClinVar aggregate classification (germline): Uncertain significance (1 of 4 stars; one submission).

Conditions:
Brugada syndrome 8 (BRGDA8). Identifiers: Orphanet 130, MedGen C2751083, MONDO:0013148, OMIM 613123.

Submission:

Labcorp Genetics (formerly Invitae), Labcorp
Classification: Uncertain significance for Brugada syndrome 8. Last evaluated: 2026-01-31. Review status: criteria provided, single submitter. Criteria: Invitae Variant Classification Sherloc (09022015). Collection method: clinical testing. Allele origin: germline.
Comment: This sequence change replaces glycine, which is neutral and non-polar, with glutamic acid, which is acidic and polar, at codon 947 of the HCN4 protein (p.Gly947Glu). This variant is not present in population databases (gnomAD no frequency). This variant has not been reported in the literature in individuals affected with HCN4-related conditions. Invitae Evidence Modeling of protein sequence and biophysical properties (such as structural, functional, and spatial information, amino acid conservation, physicochemical variation, residue mobility, and thermodynamic stability) indicates that this missense variant is not expected to disrupt HCN4 protein function with a negative predictive value of 95%. In summary, the available evidence is currently insufficient to determine the role of this variant in disease. Therefore, it has been classified as a Variant of Uncertain Significance.